The following is an entry in ClinVar:

NM_001127222.2(CACNA1A):c.539+152C>A

Gene: CACNA1A (calcium voltage-gated channel subunit alpha1 A; minus strand). Cytogenetic location: 19p13.13.
Variant type: single nucleotide variant.
Coding change: c.539+152C>A on transcript NM_001127222.2 (MANE Select); 152 bases into the intron after coding-DNA position 539, C replaced by A.
Molecular consequence: intron variant.
Genome position (GRCh38, 1-based): chr19:13,452,724, G>T on the plus strand (C>A on the coding strand, the complement: CACNA1A is on the minus strand). VCF-style: chr19-13452724-G-T. GRCh37 (hg19) VCF-style: chr19-13563538-G-T.
Other names: c.539+152C>A (NM_001127221.2, NM_001174080.2, NM_000068.4 and 1 more transcripts).
Identifiers: ClinVar variation 670373 (VCV000670373.1), dbSNP rs74382623, ClinGen allele CA305520668.

ClinVar aggregate classification (germline): Likely benign (1 of 4 stars; one submission).

Allele frequency attached by ClinVar (database versions not stated): 1000 Genomes Project 0.00599; 1000 Genomes Project 30x 0.00640; TOPMed 0.01359; gnomAD 0.01403 and 0.01413; gnomAD exomes 0.01743.
gnomAD v4.1: 10,895 of 659,286 alleles (1.7%); highest among the groups gnomAD compares: Non-Finnish European, 2.2%; 127 homozygotes.

Submission:

GeneDx
Classification: Likely benign. Last evaluated: 2018-06-19. Review status: criteria provided, single submitter. Criteria: GeneDx Variant Classification (06012015). Collection method: clinical testing. Allele origin: germline. Affected: yes.
Comment: This variant is considered likely benign or benign based on one or more of the following criteria: it is a conservative change, it occurs at a poorly conserved position in the protein, it is predicted to be benign by multiple in silico algorithms, and/or has population frequency not consistent with disease.